The following is an entry in ClinVar:

NM_000255.4(MMUT):c.1459G>T (p.Val487Phe)

Gene: MMUT (methylmalonyl-CoA mutase; minus strand). Cytogenetic location: 6p12.3.
Variant type: single nucleotide variant.
Coding change: c.1459G>T on transcript NM_000255.4 (MANE Select); coding-DNA position 1459, G replaced by T.
Protein change: p.Val487Phe; replaces valine 487 with phenylalanine.
Molecular consequence: missense variant.
Genome position (GRCh38, 1-based): chr6:49,447,771, C>A on the plus strand (G>T on the coding strand, the complement: MMUT is on the minus strand). VCF-style: chr6-49447771-C-A. GRCh37 (hg19) VCF-style: chr6-49415484-C-A.
Other names: short protein forms V487F.
Identifiers: ClinVar variation 1487103 (VCV001487103.6), dbSNP rs1767446389, ClinGen allele CA364397286.

ClinVar aggregate classification (germline): Uncertain significance (1 of 4 stars; one submission).

Allele frequency attached by ClinVar (database versions not stated): TOPMed below 0.00001.

Submission:

Labcorp Genetics (formerly Invitae), Labcorp
Classification: Uncertain significance. Last evaluated: 2022-08-09. Review status: criteria provided, single submitter. Criteria: Invitae Variant Classification Sherloc (09022015). Collection method: clinical testing. Allele origin: germline.
Comment: This sequence change replaces valine, which is neutral and non-polar, with phenylalanine, which is neutral and non-polar, at codon 487 of the MUT protein (p.Val487Phe). This variant is not present in population databases (gnomAD no frequency). This variant has not been reported in the literature in individuals affected with MUT-related conditions. ClinVar contains an entry for this variant (Variation ID: 1487103). Algorithms developed to predict the effect of missense changes on protein structure and function are either unavailable or do not agree on the potential impact of this missense change (SIFT: "Deleterious"; PolyPhen-2: "Probably Damaging"; Align-GVGD: "Class C0"). In summary, the available evidence is currently insufficient to determine the role of this variant in disease. Therefore, it has been classified as a Variant of Uncertain Significance.